The following is an entry in ClinVar:

ClinVar aggregate classification (germline): Likely benign (0 of 4 stars; one submission).

Conditions:
BCL7A-related disorder. Also called: BCL7A-related condition.

Allele frequency attached by ClinVar (database versions not stated): ExAC 0.00021; 1000 Genomes Project 0.00060; gnomAD 0.00087; 1000 Genomes Project 30x 0.00094; TOPMed 0.00106; ESP Exome Variant Server 0.00108.

Submission:

PreventionGenetics, part of Exact Sciences
Classification: Likely benign for BCL7A-related condition. Last evaluated: 2023-06-05. Review status: no assertion criteria provided. Collection method: clinical testing. Allele origin: germline.
Comment: This variant is classified as likely benign based on ACMG/AMP sequence variant interpretation guidelines (Richards et al. 2015 PMID: 25741868, with internal and published modifications).

NM_001024808.3(BCL7A):c.518C>G (p.Ser173Cys)

Gene: BCL7A (BAF chromatin remodeling complex subunit BCL7A; plus strand). Cytogenetic location: 12q24.31.
Variant type: single nucleotide variant.
Coding change: c.518C>G on transcript NM_001024808.3 (MANE Select); coding-DNA position 518, C replaced by G.
Protein change: p.Ser173Cys; replaces serine 173 with cysteine.
Molecular consequence: missense variant.
Genome position (GRCh38, 1-based): chr12:122,054,883, C>G. VCF-style: chr12-122054883-C-G. GRCh37 (hg19) VCF-style: chr12-122492789-C-G.
Other names: c.518C>G, p.Ser173Cys (NM_020993.5); short protein forms S173C.
Identifiers: ClinVar variation 3045177 (VCV003045177.2), dbSNP rs143565565, ClinGen allele CA6841386.